The following is an entry in ClinVar:

ClinVar aggregate classification (germline): Uncertain significance. Review status: criteria provided, multiple submitters, no conflicts (2 of 4 stars). 2 submissions from 2 submitters: Uncertain significance (2). Last evaluated 2022-07-14.

Conditions:
Inborn genetic diseases. Identifiers: MedGen C0950123, MeSH D030342.

Allele frequency attached by ClinVar (database versions not stated): gnomAD 0.00001; TOPMed 0.00002; ESP Exome Variant Server 0.00008.
gnomAD v4.1: 33 of 1,605,836 alleles (0.0021%); highest among the groups gnomAD compares: Non-Finnish European, 0.0025%; no homozygotes.

Submissions (2):

Ambry Genetics
Classification: Uncertain significance for Inborn genetic diseases. Last evaluated: 2022-07-14. Review status: criteria provided, single submitter. Criteria: Ambry Variant Classification Scheme 2023. Collection method: clinical testing. Allele origin: germline.

Labcorp Genetics (formerly Invitae), Labcorp
Classification: Uncertain significance. Last evaluated: 2022-06-13. Review status: criteria provided, single submitter. Criteria: Invitae Variant Classification Sherloc (09022015). Collection method: clinical testing. Allele origin: germline.
Comment: This sequence change replaces aspartic acid, which is acidic and polar, with glycine, which is neutral and non-polar, at codon 892 of the CEP135 protein (p.Asp892Gly). This variant is present in population databases (rs146257324, gnomAD 0.006%). This variant has not been reported in the literature in individuals affected with CEP135-related conditions. Algorithms developed to predict the effect of missense changes on protein structure and function are either unavailable or do not agree on the potential impact of this missense change (SIFT: "Tolerated"; PolyPhen-2: "Possibly Damaging"; Align-GVGD: "Class C0"). In summary, the available evidence is currently insufficient to determine the role of this variant in disease. Therefore, it has been classified as a Variant of Uncertain Significance.

NM_025009.5(CEP135):c.2675A>G (p.Asp892Gly)

Gene: CEP135 (centrosomal protein 135; plus strand). Cytogenetic location: 4q12.
Variant type: single nucleotide variant.
Coding change: c.2675A>G on transcript NM_025009.5 (MANE Select); coding-DNA position 2675, A replaced by G.
Protein change: p.Asp892Gly; replaces aspartic acid 892 with glycine.
Molecular consequence: missense variant.
Genome position (GRCh38, 1-based): chr4:56,011,858, A>G. VCF-style: chr4-56011858-A-G. GRCh37 (hg19) VCF-style: chr4-56878024-A-G.
Other names: c.2675A>G (NM_025009.3); short protein forms D892G.
Identifiers: ClinVar variation 1525478 (VCV001525478.4), dbSNP rs146257324, ClinGen allele CA2928231.
Genomic context (GRCh38, chr4:56,011,858, plus strand): 5'-AGGAAAAAGAAAATCAAGATTTGTTAGATAGATTTCAGATGCTTCATAACCGTGCTGAAG[A>G]CTGGGAGGTCAAAGCCCATCAAGCTGAGGGAGAAAGCAGCTCAGTTCGACTGGAACTTCT-3'
Protein context (NP_079285.2, residues 882-902): RFQMLHNRAE[Asp892Gly]WEVKAHQAEG